The following is an entry in ClinVar:

ClinVar aggregate classification (germline): Uncertain significance. Review status: criteria provided, multiple submitters, no conflicts (2 of 4 stars). 4 submissions from 4 submitters: Uncertain significance (4). Last evaluated 2025-08-23.

Conditions:
Inborn genetic diseases. Identifiers: MedGen C0950123, MeSH D030342.

Allele frequency attached by ClinVar (database versions not stated): gnomAD exomes 0.00004 and 0.00008; TOPMed 0.00005; ExAC 0.00008; gnomAD 0.00004.
gnomAD v4.1: 74 of 1,614,120 alleles (0.0046%); highest among the groups gnomAD compares: South Asian, 0.029%; no homozygotes.

Submissions (4):

Ambry Genetics
Classification: Uncertain significance for Inborn genetic diseases. Last evaluated: 2025-08-23. Review status: criteria provided, single submitter. Criteria: Ambry Variant Classification Scheme 2023. Collection method: clinical testing. Allele origin: germline.

Women's Health and Genetics/Laboratory Corporation of America, LabCorp
Classification: Uncertain significance. Last evaluated: 2024-12-24. Review status: criteria provided, single submitter. Criteria: LabCorp Variant Classification Summary - May 2015. Collection method: clinical testing. Allele origin: germline.
Comment: Variant summary: VWF c.5287C>T (p.Arg1763Trp) results in a non-conservative amino acid change in the encoded protein sequence. Four of five in-silico tools predict a damaging effect of the variant on protein function. The variant allele was found at a frequency of 8.4e-05 in 251254 control chromosomes. This frequency is not significantly higher than estimated for a pathogenic variant in VWF causing Von Willebrand Disease, allowing no conclusion about variant significance. To our knowledge, no occurrence of c.5287C>T in individuals affected with Von Willebrand Disease and no experimental evidence demonstrating its impact on protein function have been reported. ClinVar contains an entry for this variant (Variation ID: 1330060). Based on the evidence outlined above, the variant was classified as uncertain significance.

Mayo Clinic Laboratories, Mayo Clinic
Classification: Uncertain significance. Last evaluated: 2022-11-30. Review status: criteria provided, single submitter. Criteria: ACMG Guidelines, 2015. Collection method: clinical testing. Allele origin: germline. Observed: 1 variant allele.

Quest Diagnostics Nichols Institute San Juan Capistrano
Classification: Uncertain significance. Last evaluated: 2021-01-14. Review status: criteria provided, single submitter. Criteria: Quest Diagnostics criteria. Collection method: clinical testing. Allele origin: unknown.

NM_000552.5(VWF):c.5287C>T (p.Arg1763Trp)

Gene: VWF (von Willebrand factor; minus strand). Cytogenetic location: 12p13.31.
Variant type: single nucleotide variant.
Coding change: c.5287C>T on transcript NM_000552.5 (MANE Select); coding-DNA position 5287, C replaced by T.
Protein change: p.Arg1763Trp; replaces arginine 1763 with tryptophan.
Molecular consequence: missense variant.
Genome position (GRCh38, 1-based): chr12:6,016,540, G>A on the plus strand (C>T on the coding strand, the complement: VWF is on the minus strand). VCF-style: chr12-6016540-G-A. GRCh37 (hg19) VCF-style: chr12-6125706-G-A.
Other names: p.Arg1763Trp; c.5287C>T (NM_000552.3); short protein forms R1763W.
Identifiers: ClinVar variation 1330060 (VCV001330060.7), dbSNP rs763126601, ClinGen allele CA6402329.